The following is an entry in ClinVar:

ClinVar aggregate classification (germline): Pathogenic (1 of 4 stars; one submission).

Conditions:
Primary ciliary dyskinesia. Also called: Ciliary dyskinesia. Identifiers: Orphanet 244, MedGen C0008780, MONDO:0016575, HP:0012265.

Submission:

Labcorp Genetics (formerly Invitae), Labcorp
Classification: Pathogenic for Primary ciliary dyskinesia. Last evaluated: 2022-10-28. Review status: criteria provided, single submitter. Criteria: Invitae Variant Classification Sherloc (09022015). Collection method: clinical testing. Allele origin: germline.
Comment: This sequence change affects a donor splice site in intron 58 of the DNAH5 gene. It is expected to disrupt RNA splicing. Variants that disrupt the donor or acceptor splice site typically lead to a loss of protein function (PMID: 16199547), and loss-of-function variants in DNAH5 are known to be pathogenic (PMID: 11788826, 16627867). This variant is not present in population databases (gnomAD no frequency). Disruption of this splice site has been observed in individual(s) with primary ciliary dyskinesia (PMID: 32502479; Invitae). ClinVar contains an entry for this variant (Variation ID: 1066241). Algorithms developed to predict the effect of sequence changes on RNA splicing suggest that this variant may disrupt the consensus splice site. For these reasons, this variant has been classified as Pathogenic.

Literature cited by the submitters: PubMed 16199547; PubMed 11788826; PubMed 16627867; PubMed 32502479.

NM_001369.3(DNAH5):c.9897+1G>A

Gene: DNAH5 (dynein axonemal heavy chain 5; minus strand). Cytogenetic location: 5p15.2.
Variant type: single nucleotide variant.
Coding change: c.9897+1G>A on transcript NM_001369.3 (MANE Select); the canonical splice donor site of the intron after coding-DNA position 9897, G replaced by A.
Molecular consequence: splice donor variant.
Genome position (GRCh38, 1-based): chr5:13,768,959, C>T on the plus strand (G>A on the coding strand, the complement: DNAH5 is on the minus strand). VCF-style: chr5-13768959-C-T. GRCh37 (hg19) VCF-style: chr5-13769068-C-T.
Identifiers: ClinVar variation 1066241 (VCV001066241.9), dbSNP rs914675446, ClinGen allele CA359201211.